The following is an entry in ClinVar:

NM_000143.4(FH):c.205G>A (p.Gly69Ser)

Gene: FH (fumarate hydratase; minus strand). Cytogenetic location: 1q43.
Variant type: single nucleotide variant.
Coding change: c.205G>A on transcript NM_000143.4 (MANE Select); coding-DNA position 205, G replaced by A.
Protein change: p.Gly69Ser; replaces glycine 69 with serine.
Molecular consequence: missense variant.
Genome position (GRCh38, 1-based): chr1:241,517,244, C>T on the plus strand (G>A on the coding strand, the complement: FH is on the minus strand). VCF-style: chr1-241517244-C-T. GRCh37 (hg19) VCF-style: chr1-241680544-C-T.
Other names: short protein forms G69S.
Identifiers: ClinVar variation 2567080 (VCV002567080.4), dbSNP rs2147925189, ClinGen allele CA345441832.

ClinVar aggregate classification (germline): Uncertain significance. Review status: criteria provided, multiple submitters, no conflicts (2 of 4 stars). 2 submissions from 2 submitters: Uncertain significance (2). Last evaluated 2026-03-03.

Conditions:
Hereditary cancer-predisposing syndrome. Also called: Neoplastic Syndromes, Hereditary; Tumor predisposition; Hereditary Cancer Syndrome; Hereditary neoplastic syndrome. Identifiers: Orphanet 140162, MedGen C0027672, MeSH D009386, MONDO:0015356.

Submissions (2):

Ambry Genetics
Classification: Uncertain significance for Hereditary cancer-predisposing syndrome. Last evaluated: 2026-03-03. Review status: criteria provided, single submitter. Criteria: Ambry Variant Classification Scheme 2023. Collection method: clinical testing. Allele origin: germline.
Comment: The p.G69S variant (also known as c.205G>A), located in coding exon 2 of the FH gene, results from a G to A substitution at nucleotide position 205. The glycine at codon 69 is replaced by serine, an amino acid with similar properties. This amino acid position is highly conserved in available vertebrate species. In addition, this alteration is predicted to be deleterious by in silico analysis. Based on the available evidence, the clinical significance of this variant remains unclear.

GeneDx
Classification: Uncertain significance. Last evaluated: 2024-07-30. Review status: criteria provided, single submitter. Criteria: GeneDx Variant Classification Process June 2021. Collection method: clinical testing. Allele origin: germline. Affected: yes.
Comment: Not observed at significant frequency in large population cohorts (gnomAD); In silico analysis supports that this missense variant has a deleterious effect on protein structure/function; Has not been previously published as pathogenic or benign to our knowledge